The following is an entry in ClinVar:

ClinVar aggregate classification (germline): Uncertain significance (1 of 4 stars; one submission).

Submission:

GeneDx
Classification: Uncertain significance. Last evaluated: 2022-03-11. Review status: criteria provided, single submitter. Criteria: GeneDx Variant Classification Process June 2021. Collection method: clinical testing. Allele origin: germline. Affected: yes.
Comment: Not observed at significant frequency in large population cohorts (gnomAD); In silico analysis supports that this missense variant has a deleterious effect on protein structure/function; Has not been previously published as pathogenic or benign to our knowledge

NM_005689.4(ABCB6):c.1502A>C (p.Gln501Pro)

Gene: ABCB6 (ATP binding cassette subfamily B member 6 (LAN blood group); minus strand). Cytogenetic location: 2q35.
Variant type: single nucleotide variant.
Coding change: c.1502A>C on transcript NM_005689.4 (MANE Select); coding-DNA position 1502, A replaced by C.
Protein change: p.Gln501Pro; replaces glutamine 501 with proline.
Molecular consequence: missense variant.
Genome position (GRCh38, 1-based): chr2:219,213,902, T>G on the plus strand (A>C on the coding strand, the complement: ABCB6 is on the minus strand). VCF-style: chr2-219213902-T-G. GRCh37 (hg19) VCF-style: chr2-220078624-T-G.
Other names: c.1364A>C, p.Gln455Pro (NM_001349828.2); short protein forms Q455P, Q501P.
Identifiers: ClinVar variation 1704774 (VCV001704774.2), dbSNP rs2544853494, ClinGen allele CA350635475.